The following is an entry in ClinVar:

NM_000141.5(FGFR2):c.394G>C (p.Asp132His)

Gene: FGFR2 (fibroblast growth factor receptor 2; minus strand). Cytogenetic location: 10q26.13.
Variant type: single nucleotide variant.
Coding change: c.394G>C on transcript NM_000141.5 (MANE Select); coding-DNA position 394, G replaced by C.
Protein change: p.Asp132His; replaces aspartic acid 132 with histidine.
Molecular consequence: missense variant. On other transcripts: intron variant (2).
Genome position (GRCh38, 1-based): chr10:121,564,562, C>G on the plus strand (G>C on the coding strand, the complement: FGFR2 is on the minus strand). VCF-style: chr10-121564562-C-G. GRCh37 (hg19) VCF-style: chr10-123324076-C-G.
Other names: c.394G>C, p.Asp132His (NM_001144913.1, NM_001144914.1, NM_001144917.2 and 2 more transcripts); c.127G>C, p.Asp43His (NM_001144915.2, NM_001144919.2, NM_023029.3); c.110-13103G>C (NM_001144918.2, NM_001144916.2); short protein forms D132H, D43H.
Identifiers: ClinVar variation 1704076 (VCV001704076.3), dbSNP rs1857405124, ClinGen allele CA378323742.
Genomic context (GRCh38, chr10:121,564,562, plus strand): 5'-TCTTGTTGTTACTGTTCTCACTGACAAAATCTTCCGCACCATCGGTGTCATCCTCATCAT[C>G]TCCGGATGAGATGGCATCTGTATGCAAAAGAACATATTCCATGGATGTGTTTTTTGCAAA-3'
Protein context (NP_000132.3, residues 122-142): VNVTDAISSG[Asp132His]DEDDTDGAED

ClinVar aggregate classification (germline): Uncertain significance (1 of 4 stars; one submission).

Submission:

GeneDx
Classification: Uncertain significance. Last evaluated: 2023-12-02. Review status: criteria provided, single submitter. Criteria: GeneDx Variant Classification Process June 2021. Collection method: clinical testing. Allele origin: germline. Affected: yes.
Comment: Not observed at significant frequency in large population cohorts (gnomAD); In silico analysis supports that this missense variant has a deleterious effect on protein structure/function; Has not been previously published as pathogenic or benign to our knowledge